The following is an entry in ClinVar:

NM_001040108.2(MLH3):c.1063G>C (p.Val355Leu)

Gene: MLH3 (mutL homolog 3; minus strand). Cytogenetic location: 14q24.3.
Variant type: single nucleotide variant.
Coding change: c.1063G>C on transcript NM_001040108.2 (MANE Select); coding-DNA position 1063, G replaced by C.
Protein change: p.Val355Leu; replaces valine 355 with leucine.
Molecular consequence: missense variant.
Genome position (GRCh38, 1-based): chr14:75,048,593, C>G on the plus strand (G>C on the coding strand, the complement: MLH3 is on the minus strand). VCF-style: chr14-75048593-C-G. GRCh37 (hg19) VCF-style: chr14-75515296-C-G.
Other names: c.1063G>C, p.Val355Leu (NM_014381.3); short protein forms V355L.
Identifiers: ClinVar variation 3295081 (VCV003295081.1).

ClinVar aggregate classification (germline): Uncertain significance (1 of 4 stars; one submission).

gnomAD v4.1: 4 of 1,613,876 alleles (0.00025%); highest among the groups gnomAD compares: Admixed American, 0.0033%; no homozygotes.

Submission:

Ambry Genetics
Classification: Uncertain significance. Last evaluated: 2024-03-19. Review status: criteria provided, single submitter. Criteria: Ambry Variant Classification Scheme 2023. Collection method: clinical testing. Allele origin: germline.
Comment: The p.V355L variant (also known as c.1063G>C), located in coding exon 1 of the MLH3 gene, results from a G to C substitution at nucleotide position 1063. The valine at codon 355 is replaced by leucine, an amino acid with highly similar properties. This amino acid position is conserved. In addition, this alteration is predicted to be tolerated by in silico analysis. Based on the available evidence, the clinical significance of this alteration remains unclear.